The following is an entry in ClinVar:

ClinVar aggregate classification (germline): Benign/Likely benign. Review status: criteria provided, multiple submitters, no conflicts (2 of 4 stars). 3 submissions from 3 submitters: Benign (2); Likely benign (1). Last evaluated 2025-02-16.

Submissions (3):

Laboratory of Genetics, Children's Clinical University Hospital Latvia
Classification: Benign. Last evaluated: 2025-02-16. Review status: criteria provided, single submitter. Criteria: ACMG Guidelines, 2015. Collection method: clinical testing. Allele origin: germline. Affected: yes.

CeGaT Center for Human Genetics Tuebingen
Classification: Benign. Last evaluated: 2023-03-01. Review status: criteria provided, single submitter. Criteria: CeGaT Center For Human Genetics Tuebingen Variant Classification Criteria Version 2. Collection method: clinical testing. Allele origin: germline. Affected: yes. Observed: 2 variant alleles.
Comment: TOP2B: BP4, BS1, BS2

Blueprint Genetics
Classification: Likely benign. Last evaluated: 2021-11-02. Review status: criteria provided, single submitter. Criteria: ACMG Guidelines, 2015. Collection method: clinical testing. Allele origin: germline.

NM_001330700.2(TOP2B):c.396-6_396-5del

Gene: TOP2B (DNA topoisomerase II beta; minus strand). Cytogenetic location: 3p24.2.
Variant type: Deletion.
Coding change: c.396-6_396-5del on transcript NM_001330700.2 (MANE Select); 6 bases into the intron before coding-DNA position 396 through 5 bases into the intron before coding-DNA position 396, 2 bases deleted (TT; older notation c.396-6_396-5delTT).
Molecular consequence: intron variant.
Genome position (GRCh38, 1-based): chr3:25,638,315-25,638,316, AA deleted on the plus strand (TT on the coding strand, the reverse complement: TOP2B is on the minus strand); deleting any 2 consecutive bases within chr3:25,638,315-25,638,352 gives the same sequence; the c. name uses the placement nearest the transcript's 3' end. VCF-style (leftmost placement, unchanged base first): chr3-25638314-TAA-T. GRCh37 (hg19) VCF-style: chr3-25679805-TAA-T.
Other names: c.381-6_381-5del (NM_001068.3).
Identifiers: ClinVar variation 2498924 (VCV002498924.30), dbSNP rs56986587, ClinGen allele CA905648680.